The following is an entry in ClinVar:

NM_025179.4(PLXNA2):c.649C>T (p.Leu217=)

Gene: PLXNA2 (plexin A2; minus strand). Cytogenetic location: 1q32.2.
Variant type: single nucleotide variant.
Coding change: c.649C>T on transcript NM_025179.4 (MANE Select); coding-DNA position 649, C replaced by T.
Protein change: p.Leu217=; no amino-acid change (leucine 217 retained).
Molecular consequence: synonymous variant.
Genome position (GRCh38, 1-based): chr1:208,217,274, G>A on the plus strand (C>T on the coding strand, the complement: PLXNA2 is on the minus strand). VCF-style: chr1-208217274-G-A. GRCh37 (hg19) VCF-style: chr1-208390619-G-A.
Identifiers: ClinVar variation 3356101 (VCV003356101.1).

ClinVar aggregate classification (germline): Likely benign (0 of 4 stars; one submission).

Conditions:
PLXNA2-related disorder. Also called: PLXNA2-related condition.

Submission:

PreventionGenetics, part of Exact Sciences
Classification: Likely benign for PLXNA2-related condition. Last evaluated: 2023-03-23. Review status: no assertion criteria provided. Collection method: clinical testing. Allele origin: germline.
Comment: This variant is classified as likely benign based on ACMG/AMP sequence variant interpretation guidelines (Richards et al. 2015 PMID: 25741868, with internal and published modifications).